The following is an entry in ClinVar:

NM_001161352.2(KCNMA1):c.2015+7G>A

Gene: KCNMA1 (potassium calcium-activated channel subfamily M alpha 1; minus strand). Cytogenetic location: 10q22.3.
Variant type: single nucleotide variant.
Coding change: c.2015+7G>A on transcript NM_001161352.2 (MANE Select); 7 bases into the intron after coding-DNA position 2015, G replaced by A.
Molecular consequence: intron variant.
Genome position (GRCh38, 1-based): chr10:77,019,006, C>T on the plus strand (G>A on the coding strand, the complement: KCNMA1 is on the minus strand). VCF-style: chr10-77019006-C-T. GRCh37 (hg19) VCF-style: chr10-78778764-C-T.
Other names: c.1865+7G>A (NM_001271518.2); c.2015+7G>A (NM_001322832.2, NM_001322829.2, NM_002247.4 and 3 more transcripts); c.2027+7G>A (NM_001014797.3, NM_001322835.2, NM_001322830.2 and 1 more transcripts); c.1475+7G>A (NM_001322838.2).
Identifiers: ClinVar variation 129321 (VCV000129321.22), dbSNP rs78670694, ClinGen allele CA153272.
Genomic context (GRCh38, chr10:77,019,006, plus strand): 5'-CTACTTCCGTGGGTCAAGGTGTCTACAGCCGGGCCAGAAAGAAAGCCAGTTGAAAATAAA[C>T]TCTTACCTTTTAACTTCTTTGGCATCACTTGCGATGAAAAATCCTAAAGTACCTTCTTGG-3'

ClinVar aggregate classification (germline): Benign/Likely benign. Review status: criteria provided, multiple submitters, no conflicts (2 of 4 stars). 7 submissions from 7 submitters: Benign (2); Likely benign (3). 2 of the submissions do not count toward it. Last evaluated 2026-01-19.

Conditions:
Generalized epilepsy-paroxysmal dyskinesia syndrome (PNKD3). Also called: Paroxysmal nonkinesigenic dyskinesia, 3, with or without generalized epilepsy; Generalized epilepsy and paroxysmal dyskinesia. Identifiers: Orphanet 79137, MedGen C5574945, MONDO:0012276, OMIM 609446.
KCNMA1-related disorder. Also called: KCNMA1-related disorders; KCNMA1-related condition.

Allele frequency attached by ClinVar (database versions not stated): ESP Exome Variant Server 0.00008; gnomAD 0.00097 and 0.00139; gnomAD exomes 0.00128 and 0.00255; TOPMed 0.00147; ExAC 0.00286; 1000 Genomes Project 30x 0.00578; 1000 Genomes Project 0.00619.
gnomAD v4.1: 1,970 of 1,514,648 alleles (0.13%); highest among the groups gnomAD compares: East Asian, 2.9%; 27 homozygotes.

Submissions (7):

Labcorp Genetics (formerly Invitae), Labcorp
Classification: Benign for Generalized epilepsy-paroxysmal dyskinesia syndrome. Last evaluated: 2026-01-19. Review status: criteria provided, single submitter. Criteria: Invitae Variant Classification Sherloc (09022015). Collection method: clinical testing. Allele origin: germline.

Blueprint Genetics
Classification: Likely benign. Last evaluated: 2024-11-13. Review status: criteria provided, single submitter. Criteria: ACMG Guidelines, 2015. Collection method: clinical testing. Allele origin: germline.

Illumina Laboratory Services, Illumina
Classification: Likely benign for Generalized epilepsy-paroxysmal dyskinesia syndrome. Last evaluated: 2018-01-13. Review status: criteria provided, single submitter. Criteria: ICSL Variant Classification Criteria 13 December 2019. Collection method: clinical testing. Allele origin: germline.
Comment: This variant was observed in the ICSL laboratory as part of a predisposition screen in an ostensibly healthy population. It had not been previously curated by ICSL or reported in the Human Gene Mutation Database (HGMD: prior to June 1st, 2018), and was therefore a candidate for classification through an automated scoring system. Utilizing variant allele frequency, disease prevalence and penetrance estimates, and inheritance mode, an automated score was calculated to assess if this variant is too frequent to cause the disease. Based on the score and internal cut-off values, a variant classified as likely benign is not then subjected to further curation. The score for this variant resulted in a classification of likely benign for this disease.

Athena Diagnostics
Classification: Benign. Last evaluated: 2017-03-28. Review status: criteria provided, single submitter. Criteria: Athena Diagnostics Criteria. Collection method: clinical testing. Allele origin: germline.

Breakthrough Genomics
Classification: Likely benign. Review status: criteria provided, single submitter. Criteria: ACMG Guidelines, 2015. Collection method: not provided. Allele origin: germline. Inheritance: Autosomal recessive inheritance. Affected: yes.

PreventionGenetics, part of Exact Sciences
Classification: Benign for KCNMA1-related condition. Last evaluated: 2024-07-22. Review status: no assertion criteria provided. Collection method: clinical testing. Allele origin: germline. Not counted in ClinVar's aggregate classification.
Comment: This variant is classified as benign based on ACMG/AMP sequence variant interpretation guidelines (Richards et al. 2015 PMID: 25741868, with internal and published modifications).

Genetic Services Laboratory, University of Chicago
Classification: Likely benign for AllHighlyPenetrant. Review status: no assertion criteria provided. Collection method: clinical testing. Allele origin: germline. Inheritance: Autosomal dominant inheritance. Not counted in ClinVar's aggregate classification.
Comment: Likely benign based on allele frequency in 1000 Genomes Project or ESP global frequency and its presence in a patient with a rare or unrelated disease phenotype. NOT Sanger confirmed.